The following is an entry in ClinVar:

ClinVar aggregate classification (germline): Conflicting classifications of pathogenicity. Review status: criteria provided, conflicting classifications (1 of 4 stars). 3 submissions from 3 submitters: Uncertain significance (1); Likely benign (2). Last evaluated 2024-11-15.

Conditions:
Hypercholesterolemia, autosomal dominant, type B (FHCL2). Also called: Hyperlipoproteinemia Type IIb; APOB-Related Familial Hypercholesterolemia, Autosomal Dominant; Familial hypercholesterolemia 2; HYPERCHOLESTEROLEMIA, FAMILIAL, DUE TO LIGAND-DEFECTIVE APOLIPOPROTEIN B; Familial Hypercholesterolemia Type B; APOLIPOPROTEIN B-100, FAMILIAL DEFECTIVE. Identifiers: MedGen C1704417, MONDO:0007751, OMIM 144010.
Familial hypobetalipoproteinemia 1. Also called: APOB-Related Familial Hypobetalipoproteinemia; Hypobetalipoproteinemia, normotriglyceridemic; Acanthocytosis with hypobetalipoproteinemia. Identifiers: MedGen C4551990, MONDO:0014252, OMIM 615558.
Cardiovascular phenotype. Identifiers: MedGen CN230736.

Allele frequency attached by ClinVar (database versions not stated): TOPMed below 0.00001; gnomAD 0.00001; ExAC 0.00002; gnomAD exomes 0.00002.
gnomAD v4.1: 20 of 1,614,030 alleles (0.0012%); highest among the groups gnomAD compares: East Asian, 0.02%; no homozygotes.

Submissions (3):

Ambry Genetics
Classification: Uncertain significance for Cardiovascular phenotype. Last evaluated: 2024-11-15. Review status: criteria provided, single submitter. Criteria: Ambry Variant Classification Scheme 2023. Collection method: clinical testing. Allele origin: germline.
Comment: The c.2850G>A variant (also known as p.T950T), located in coding exon 19 of the APOB gene, results from a G to A substitution at nucleotide position 2850. This nucleotide substitution does not change the amino acid at codon 950. This nucleotide position is poorly conserved in available vertebrate species. In silico splice site analysis for this alteration is inconclusive. Based on the available evidence, the clinical significance of this variant remains unclear.

Labcorp Genetics (formerly Invitae), Labcorp
Classification: Likely benign for Familial hypobetalipoproteinemia 1; Hypercholesterolemia, autosomal dominant, type B. Last evaluated: 2024-08-16. Review status: criteria provided, single submitter. Criteria: Invitae Variant Classification Sherloc (09022015). Collection method: clinical testing. Allele origin: germline.

Blueprint Genetics
Classification: Likely benign. Last evaluated: 2023-08-03. Review status: criteria provided, single submitter. Criteria: ACMG Guidelines, 2015. Collection method: clinical testing. Allele origin: germline.

NM_000384.3(APOB):c.2850G>A (p.Thr950=)

Gene: APOB (apolipoprotein B; minus strand). Cytogenetic location: 2p24.1.
Variant type: single nucleotide variant.
Coding change: c.2850G>A on transcript NM_000384.3 (MANE Select); coding-DNA position 2850, G replaced by A.
Protein change: p.Thr950=; no amino-acid change (threonine 950 retained).
Molecular consequence: synonymous variant.
Genome position (GRCh38, 1-based): chr2:21,019,872, C>T on the plus strand (G>A on the coding strand, the complement: APOB is on the minus strand). VCF-style: chr2-21019872-C-T. GRCh37 (hg19) VCF-style: chr2-21242744-C-T.
Other names: c.2850G>A (NM_000384.2).
Identifiers: ClinVar variation 1041523 (VCV001041523.13), dbSNP rs760186219, ClinGen allele CA057383.